The following is an entry in ClinVar:

NM_001080.3(ALDH5A1):c.542C>T (p.Thr181Ile)

Gene: ALDH5A1 (aldehyde dehydrogenase 5 family member A1; plus strand). Cytogenetic location: 6p22.3.
Variant type: single nucleotide variant.
Coding change: c.542C>T on transcript NM_001080.3 (MANE Select); coding-DNA position 542, C replaced by T.
Protein change: p.Thr181Ile; replaces threonine 181 with isoleucine.
Molecular consequence: missense variant.
Genome position (GRCh38, 1-based): chr6:24,503,366, C>T. VCF-style: chr6-24503366-C-T. GRCh37 (hg19) VCF-style: chr6-24503594-C-T.
Other names: c.542C>T, p.Thr181Ile (NM_001368954.1, NM_170740.1); short protein forms T181I.
Identifiers: ClinVar variation 529481 (VCV000529481.18), dbSNP rs147439442, ClinGen allele CA3656650.
Genomic context (GRCh38, chr6:24,503,366, plus strand): 5'-CCTTTTTCCTAGAGTGGTTCTCTGAGGAAGCCCGCCGTGTTTACGGAGACATTATCCACA[C>T]CCCGGCAAAGGACAGGCGGGCCCTGGTCCTCAAGCAGCCCATAGGCGTGGCTGCAGTCAT-3'
Protein context (NP_001071.1, residues 171-191): ARRVYGDIIH[Thr181Ile]PAKDRRALVL

ClinVar aggregate classification (germline): Conflicting classifications of pathogenicity. Review status: criteria provided, conflicting classifications (1 of 4 stars). 3 submissions from 3 submitters: Uncertain significance (2); Likely benign (1). Last evaluated 2025-12-29.

Conditions:
Succinate-semialdehyde dehydrogenase deficiency (SSADHD). Also called: Succinic Semialdehyde Dehydrogenase Deficiency; 4-HYDROXYBUTYRIC ACIDURIA; GABA METABOLIC DEFECT; SSADH DEFICIENCY. Identifiers: Orphanet 22, MedGen C0268631, MONDO:0010083, OMIM 271980.

Allele frequency attached by ClinVar (database versions not stated): ExAC 0.00007; gnomAD exomes 0.00009; ESP Exome Variant Server 0.00023; gnomAD 0.00025 and 0.00026; TOPMed 0.00026; 1000 Genomes Project 0.00060; 1000 Genomes Project 30x 0.00062.

Submissions (3):

Labcorp Genetics (formerly Invitae), Labcorp
Classification: Likely benign for Succinate-semialdehyde dehydrogenase deficiency. Last evaluated: 2025-12-29. Review status: criteria provided, single submitter. Criteria: Invitae Variant Classification Sherloc (09022015). Collection method: clinical testing. Allele origin: germline.

GeneDx
Classification: Uncertain significance. Last evaluated: 2025-04-23. Review status: criteria provided, single submitter. Criteria: GeneDx Variant Classification Process June 2021. Collection method: clinical testing. Allele origin: germline. Affected: yes.
Comment: In silico analysis supports that this missense variant has a deleterious effect on protein structure/function; Has not been previously published as pathogenic or benign to our knowledge

Blueprint Genetics
Classification: Uncertain significance. Last evaluated: 2024-10-09. Review status: criteria provided, single submitter. Criteria: ACMG Guidelines, 2015. Collection method: clinical testing. Allele origin: germline.